The following is an entry in ClinVar:

NM_030962.4(SBF2):c.187C>T (p.Pro63Ser)

Gene: SBF2 (SET binding factor 2; minus strand). Cytogenetic location: 11p15.4.
Variant type: single nucleotide variant.
Coding change: c.187C>T on transcript NM_030962.4 (MANE Select); coding-DNA position 187, C replaced by T.
Protein change: p.Pro63Ser; replaces proline 63 with serine.
Molecular consequence: missense variant.
Genome position (GRCh38, 1-based): chr11:10,042,936, G>A on the plus strand (C>T on the coding strand, the complement: SBF2 is on the minus strand). VCF-style: chr11-10042936-G-A. GRCh37 (hg19) VCF-style: chr11-10064483-G-A.
Other names: c.187C>T, p.Pro63Ser (NM_001386339.1, NM_001386342.1); short protein forms P63S.
Identifiers: ClinVar variation 2071669 (VCV002071669.1), dbSNP rs1357785855, ClinGen allele CA379643985.
Genomic context (GRCh38, chr11:10,042,936, plus strand): 5'-GGCATGAGCAGTAATGTCGATCTGAGTCAATGTCTGTCAGGACAACCACAAAGAACGTTG[G>A]CTGCTTCCTCTCTCTGGACAGCTGCCACCCGCCAGGCTGACAAAACTAAATGAAATAGAA-3'
Protein context (NP_112224.1, residues 53-73): GWQLSRERKQ[Pro63Ser]TFFVVVLTDI

ClinVar aggregate classification (germline): Uncertain significance (1 of 4 stars; one submission).

Conditions:
Charcot-Marie-Tooth disease type 4. Also called: Charcot-Marie-Tooth disease, type IV; Charcot-Marie-Tooth, Type 4. Identifiers: Orphanet 64749, MedGen C4082197, MONDO:0018995.

Allele frequency attached by ClinVar (database versions not stated): TOPMed below 0.00001; gnomAD 0.00001; gnomAD exomes 0.00001.
gnomAD v4.1: 16 of 1,613,778 alleles (0.00099%); highest among the groups gnomAD compares: Non-Finnish European, 0.0014%; no homozygotes.

Submission:

Labcorp Genetics (formerly Invitae), Labcorp
Classification: Uncertain significance for Charcot-Marie-Tooth disease type 4. Last evaluated: 2022-03-06. Review status: criteria provided, single submitter. Criteria: Invitae Variant Classification Sherloc (09022015). Collection method: clinical testing. Allele origin: germline.
Comment: This sequence change replaces proline, which is neutral and non-polar, with serine, which is neutral and polar, at codon 63 of the SBF2 protein (p.Pro63Ser). This variant is present in population databases (no rsID available, gnomAD 0.002%). This variant has not been reported in the literature in individuals affected with SBF2-related conditions. Algorithms developed to predict the effect of missense changes on protein structure and function are either unavailable or do not agree on the potential impact of this missense change (SIFT: "Tolerated"; PolyPhen-2: "Probably Damaging"; Align-GVGD: "Class C0"). In summary, the available evidence is currently insufficient to determine the role of this variant in disease. Therefore, it has been classified as a Variant of Uncertain Significance.